The following is an entry in ClinVar:

ClinVar aggregate classification (germline): Uncertain significance (1 of 4 stars; one submission).

Allele frequency attached by ClinVar (database versions not stated): TOPMed below 0.00001; gnomAD 0.00001; gnomAD exomes 0.00001; ExAC 0.00007.
gnomAD v4.1: 20 of 1,607,640 alleles (0.0012%); highest among the groups gnomAD compares: Middle Eastern, 0.021%; no homozygotes.

Submission:

CeGaT Center for Human Genetics Tuebingen
Classification: Uncertain significance. Last evaluated: 2025-10-01. Review status: criteria provided, single submitter. Criteria: CeGaT Center For Human Genetics Tuebingen Variant Classification Criteria Version 2. Collection method: clinical testing. Allele origin: germline. Affected: yes. Observed: 2 variant alleles.
Comment: PKD1: PM2:Supporting, BP4

NM_001009944.3(PKD1):c.6213C>T (p.Cys2071=)

Gene: PKD1 (polycystin 1, transient receptor potential channel interacting; minus strand). Cytogenetic location: 16p13.3.
Variant type: single nucleotide variant.
Coding change: c.6213C>T on transcript NM_001009944.3 (MANE Select); coding-DNA position 6213, C replaced by T.
Protein change: p.Cys2071=; no amino-acid change (cysteine 2071 retained).
Molecular consequence: synonymous variant.
Genome position (GRCh38, 1-based): chr16:2,108,954, G>A on the plus strand (C>T on the coding strand, the complement: PKD1 is on the minus strand). VCF-style: chr16-2108954-G-A. GRCh37 (hg19) VCF-style: chr16-2158955-G-A.
Other names: c.6213C>T, p.Cys2071= (NM_000296.4).
Identifiers: ClinVar variation 3234316 (VCV003234316.20), dbSNP rs756438676, ClinGen allele CA7831672.